The following is an entry in ClinVar:

ClinVar aggregate classification (germline): Uncertain significance (1 of 4 stars; one submission).

Conditions:
D-Glyceric aciduria. Also called: Deficiency of glycerate kinase; GLYCERATE KINASE DEFICIENCY. Identifiers: Orphanet 941, MedGen C0342765, MONDO:0009070, OMIM 220120.

Allele frequency attached by ClinVar (database versions not stated): gnomAD exomes below 0.00001.

Submission:

Centre for Mendelian Genomics, University Medical Centre Ljubljana
Classification: Uncertain significance for D-Glyceric aciduria. Last evaluated: 2016-01-01. Review status: criteria provided, single submitter. Criteria: ACMG Guidelines, 2015. Collection method: clinical testing. Allele origin: unknown. Affected: yes.
Comment: This variant was classified as: Uncertain significance. The following ACMG criteria were applied in classifying this variant: PM2,PP3.

NM_145262.4(GLYCTK):c.112G>A (p.Ala38Thr)

Gene: GLYCTK (glycerate kinase; plus strand). Cytogenetic location: 3p21.2.
Variant type: single nucleotide variant.
Coding change: c.112G>A on transcript NM_145262.4 (MANE Select); coding-DNA position 112, G replaced by A.
Protein change: p.Ala38Thr; replaces alanine 38 with threonine.
Molecular consequence: missense variant. On other transcripts: non-coding transcript variant (3).
Genome position (GRCh38, 1-based): chr3:52,290,454, G>A. VCF-style: chr3-52290454-G-A. GRCh37 (hg19) VCF-style: chr3-52324470-G-A.
Other names: c.112G>A, p.Ala38Thr (NM_001144951.2); short protein forms A38T.
Identifiers: ClinVar variation 930336 (VCV000930336.3), dbSNP rs1700426072, ClinGen allele CA353068655.
Genomic context (GRCh38, chr3:52,290,454, plus strand): 5'-CCACTCCTCTGGCGGGGCTCAGTGGCCCGTCTGGCCAGCAGCATGGCCTTGGCAGAGCAG[G>A]CCAGGCAGCTGTTTGAGAGTGCTGTAGGTGCAGTGCTGCCGGGCCCCATGCTGCACCGGG-3'
Protein context (NP_660305.2, residues 28-48): LASSMALAEQ[Ala38Thr]RQLFESAVGA